The following is an entry in ClinVar:

ClinVar aggregate classification (germline): Uncertain significance (1 of 4 stars; one submission).

Conditions:
Cardiomyopathy (CMYO). Also called: Cardiomyopathies. Identifiers: Orphanet 167848, MedGen C0878544, MONDO:0004994, HP:0001638. Inheritance: Various modes of inheritance.

Submission:

Color Diagnostics, LLC DBA Color Health
Classification: Uncertain significance for Cardiomyopathy. Last evaluated: 2019-08-27. Review status: criteria provided, single submitter. Criteria: ACMG Guidelines, 2015. Collection method: clinical testing. Allele origin: germline.
Comment: This variant deletes a single amino acid in the DSP protein. Splice site prediction tools suggest that this variant may not impact RNA splicing. To our knowledge, functional studies have not been performed for this variant. This variant has not been reported in individuals affected with cardiovascular disorders in the literature. This variant has not been identified in the general population by the Genome Aggregation Database (gnomAD). The available evidence is insufficient to determine the role of this variant in disease conclusively. Therefore, this variant is classified as a Variant of Uncertain Significance.

NM_004415.4(DSP):c.7736ATG[1] (p.Asp2580del)

Gene: DSP (desmoplakin; plus strand). Cytogenetic location: 6p24.3.
Variant type: Microsatellite.
Coding change: c.7736ATG[1] on transcript NM_004415.4 (MANE Select); one copy of the 3-base unit ATG starting at c.7736; the reference has two copies in a row; one copy, 3 bases deleted.
Protein change: p.Asp2580del; deletes aspartic acid 2580.
Molecular consequence: inframe deletion.
Genome position (GRCh38, 1-based): chr6:7,585,001-7,585,003, ATG deleted; deleting any 3 consecutive bases within chr6:7,584,997-7,585,003 gives the same sequence; the position shown is the placement nearest the transcript's 3' end. VCF-style (leftmost placement, unchanged base first): chr6-7584996-CGAT-C. GRCh37 (hg19) VCF-style: chr6-7585229-CGAT-C.
Other names: c.5939ATG[1], p.Asp1981del (NM_001008844.3); c.6407ATG[1], p.Asp2137del (NM_001319034.2); short protein forms D2137del, D2580del, D1981del.
Identifiers: ClinVar variation 927780 (VCV000927780.3), dbSNP rs1759590820, ClinGen allele CA1139659424.
Genomic context (GRCh38, chr6:7,584,996, plus strand): 5'-TGACATGATCTCCTTGAAAAATGGTGTCGGCACCAGCAGCAGCATGGGCAGTGGTGTCAG[CGAT>C]GATGTTTTTAGCAGCTCCCGACATGAATCAGTAAGTAAGATTTCCACCATATCCAGCGTC-3'